The following is an entry in ClinVar:

NM_001371986.1(UNC80):c.6656A>G (p.Glu2219Gly)

Gene: UNC80 (unc-80 subunit of NALCN channel complex; plus strand). Cytogenetic location: 2q34.
Variant type: single nucleotide variant.
Coding change: c.6656A>G on transcript NM_001371986.1 (MANE Select); coding-DNA position 6656, A replaced by G.
Protein change: p.Glu2219Gly; replaces glutamic acid 2219 with glycine.
Molecular consequence: missense variant.
Genome position (GRCh38, 1-based): chr2:209,941,230, A>G. VCF-style: chr2-209941230-A-G. GRCh37 (hg19) VCF-style: chr2-210805954-A-G.
Other names: c.6458A>G, p.Glu2153Gly (NM_032504.2); c.6443A>G, p.Glu2148Gly (NM_182587.4); short protein forms E2219G, E2148G, E2153G.
Identifiers: ClinVar variation 4088006 (VCV004088006.1).

ClinVar aggregate classification (germline): Uncertain significance (1 of 4 stars; one submission).

Submission:

GeneDx
Classification: Uncertain significance. Last evaluated: 2025-03-26. Review status: criteria provided, single submitter. Criteria: GeneDx Variant Classification Process June 2021. Collection method: clinical testing. Allele origin: germline. Affected: yes.
Comment: Not observed at significant frequency in large population cohorts (gnomAD); In silico analysis supports that this missense variant has a deleterious effect on protein structure/function; Has not been previously published as pathogenic or benign to our knowledge